The following is an entry in ClinVar:

ClinVar aggregate classification (germline): Uncertain significance. Review status: criteria provided, multiple submitters, no conflicts (2 of 4 stars). 2 submissions from 2 submitters: Uncertain significance (2). Last evaluated 2026-03-25.

Conditions:
Inborn genetic diseases. Identifiers: MedGen C0950123, MeSH D030342.
Wilms tumor 1 (WT1). Also called: Wilms tumor, somatic. Identifiers: Orphanet 654, MedGen CN033288, MONDO:0008679, OMIM 194070.
11p partial monosomy syndrome (WAGR). Also called: CHROMOSOME 11p13 DELETION SYNDROME; WAGR Spectrum Disorder; WAGR syndrome; WAGR Complex. Identifiers: Orphanet 893, MedGen C0206115, MONDO:0008681, OMIM 194072.
Drash syndrome (DDS). Also called: NEPHROPATHY, WILMS TUMOR, AND GENITAL ANOMALIES; WILMS TUMOR AND PSEUDO- OR TRUE HERMAPHRODITISM. Identifiers: Orphanet 220, MedGen C0950121, MONDO:0008682, OMIM 194080.
Frasier syndrome. Identifiers: Orphanet 347, MedGen C0950122, MeSH D052159, MONDO:0007635, OMIM 136680.

Submissions (2):

Ambry Genetics
Classification: Uncertain significance for Inborn genetic diseases. Last evaluated: 2026-03-25. Review status: criteria provided, single submitter. Criteria: Ambry Variant Classification Scheme 2023. Collection method: clinical testing. Allele origin: germline.
Comment: The p.A282P variant (also known as c.844G>C), located in coding exon 3 of the WT1 gene, results from a G to C substitution at nucleotide position 844. The alanine at codon 282 is replaced by proline, an amino acid with highly similar properties. This amino acid position is highly conserved in available vertebrate species. In addition, this alteration is predicted to be deleterious by in silico analysis. Based on the available evidence, the clinical significance of this variant remains unclear.

Labcorp Genetics (formerly Invitae), Labcorp
Classification: Uncertain significance for Wilms tumor 1; Drash syndrome; 11p partial monosomy syndrome; Frasier syndrome. Last evaluated: 2021-12-11. Review status: criteria provided, single submitter. Criteria: Invitae Variant Classification Sherloc (09022015). Collection method: clinical testing. Allele origin: germline.
Comment: ClinVar contains an entry for this variant (Variation ID: 846091). In summary, the available evidence is currently insufficient to determine the role of this variant in disease. Therefore, it has been classified as a Variant of Uncertain Significance. Algorithms developed to predict the effect of missense changes on protein structure and function (SIFT, PolyPhen-2, Align-GVGD) all suggest that this variant is likely to be disruptive. This variant is also known as p.Ala214Pro. This missense change has been observed in individual(s) with azoospermia (PMID: 23935527). This variant is not present in population databases (gnomAD no frequency). This sequence change replaces alanine, which is neutral and non-polar, with proline, which is neutral and non-polar, at codon 282 of the WT1 protein (p.Ala282Pro).

Literature cited by the submitters: PubMed 23935527 (cited by Labcorp Genetics (formerly Invitae), Labcorp).

NM_024426.6(WT1):c.859G>C (p.Ala287Pro)

Gene: WT1 (WT1 transcription factor; minus strand). Cytogenetic location: 11p13.
Variant type: single nucleotide variant.
Coding change: c.859G>C on transcript NM_024426.6 (MANE Select); coding-DNA position 859, G replaced by C.
Protein change: p.Ala287Pro; replaces alanine 287 with proline.
Molecular consequence: missense variant. On other transcripts: non-coding transcript variant (1).
Genome position (GRCh38, 1-based): chr11:32,427,984, C>G on the plus strand (G>C on the coding strand, the complement: WT1 is on the minus strand). VCF-style: chr11-32427984-C-G. GRCh37 (hg19) VCF-style: chr11-32449530-C-G.
Other names: c.859G>C, p.Ala287Pro (NM_000378.6, NM_001407044.1, NM_001407045.1 and 4 more transcripts); c.208G>C, p.Ala70Pro (NM_001198551.2, NM_001198552.2); c.736G>C, p.Ala246Pro (NM_001407047.1, NM_001407050.1); c.97G>C, p.Ala33Pro (NM_001407051.1); c.844G>C, p.Ala282Pro (NM_024425.2); short protein forms A287P, A70P, A33P, A282P, A246P.
Identifiers: ClinVar variation 846091 (VCV000846091.10), dbSNP rs368452754, ClinGen allele CA379962879.
Genomic context (GRCh38, chr11:32,427,984, plus strand): 5'-GGACCCAGACGCAGAGCCCAGCGCCTTCCTACCTGCTGTAGGGCGTCCTCAGCAGCAAAG[C>G]CTGGCTGCCGGTGCAGCTGTCGGTGGGGGTGTGGCAGCCATAGACCGGGGGCGGCACCGA-3'
Protein context (NP_077744.4, residues 277-297): TPTDSCTGSQ[Ala287Pro]LLLRTPYSSD